The following is an entry in ClinVar:

NM_001267550.2(TTN):c.97319G>A (p.Arg32440His)

Genes: TTN (titin; minus strand), TTN-AS1 (TTN antisense RNA 1; plus strand). Cytogenetic location: 2q31.2.
Variant type: single nucleotide variant.
Coding change: c.97319G>A on transcript NM_001267550.2 (MANE Select); coding-DNA position 97319, G replaced by A.
Protein change: p.Arg32440His; replaces arginine 32440 with histidine.
Molecular consequence: missense variant.
Genome position (GRCh38, 1-based): chr2:178,542,437, C>T on the plus strand (G>A on the coding strand, the complement: TTN is on the minus strand). VCF-style: chr2-178542437-C-T. GRCh37 (hg19) VCF-style: chr2-179407164-C-T.
Other names: c.89615G>A, p.Arg29872His (NM_133378.4); c.92396G>A, p.Arg30799His (NM_001256850.1); c.70124G>A, p.Arg23375His (NM_003319.4); c.70499G>A, p.Arg23500His (NM_133432.3); c.70700G>A, p.Arg23567His (NM_133437.4); short protein forms R29872H, R32440H, R30799H, R23375H, R23500H, R23567H.
Identifiers: ClinVar variation 229552 (VCV000229552.12), dbSNP rs750047570, ClinGen allele CA1986578.

ClinVar aggregate classification (germline): Conflicting classifications of pathogenicity. Review status: criteria provided, conflicting classifications (1 of 4 stars). 9 submissions from 5 submitters: Uncertain significance (6); Likely benign (2). 1 of the submissions does not count toward it. Last evaluated 2022-03-30.

Conditions:
TTN-related disorder. Also called: TTN-related disorders; TTN-related condition; TTN-related disease.
Early-onset myopathy with fatal cardiomyopathy (CMYO5). Also called: Salih Myopathy; CONGENITAL MYOPATHY 5 WITH CARDIOMYOPATHY. Identifiers: Orphanet 289377, MedGen C2673677, MONDO:0012714, OMIM 611705. Disease mechanism: loss of function.
Cardiomyopathy (CMYO). Also called: Cardiomyopathies. Identifiers: Orphanet 167848, MedGen C0878544, MONDO:0004994, HP:0001638. Inheritance: Various modes of inheritance.
Dilated cardiomyopathy 1G (CMD1G). Identifiers: Orphanet 154, MedGen C1858763, MONDO:0011400, OMIM 604145.
Autosomal recessive limb-girdle muscular dystrophy type 2J (LGMDR10). Also called: Limb-girdle muscular dystrophy, type 2J; MUSCULAR DYSTROPHY, LIMB-GIRDLE, AUTOSOMAL RECESSIVE 10. Identifiers: Orphanet 140922, MedGen C1837342, MONDO:0012127, OMIM 608807.
Tibial muscular dystrophy (TMD). Also called: Tibial muscular dystrophy, tardive; Udd Distal Myopathy – Tibial Muscular Dystrophy; UDD MYOPATHY. Identifiers: Orphanet 609, MedGen C1838244, MONDO:0010870, OMIM 600334.
Myopathy, myofibrillar, 9, with early respiratory failure (MFM9). Also called: Hereditary myopathy with early respiratory failure; MYOPATHY, PROXIMAL, WITH EARLY RESPIRATORY MUSCLE INVOLVEMENT; Myopathy, distal, with early respiratory failure, autosomal dominant; EDSTROM MYOPATHY. Identifiers: Orphanet 178464, Orphanet 34521, MedGen C1863599, MONDO:0011362, OMIM 603689.

Allele frequency attached by ClinVar (database versions not stated): gnomAD exomes below 0.00001 and 0.00001; ExAC 0.00001; gnomAD 0.00001; TOPMed 0.00002.
gnomAD v4.1: 16 of 1,613,548 alleles (0.00099%); highest among the groups gnomAD compares: African/African-American, 0.0067%; no homozygotes.

Submissions (9):

CHEO Genetics Diagnostic Laboratory, Children's Hospital of Eastern Ontario
Classification: Likely benign for Cardiomyopathy. Last evaluated: 2022-03-30. Review status: criteria provided, single submitter. Criteria: ACMG Guidelines, 2015. Collection method: clinical testing. Allele origin: germline.

Blueprint Genetics
Classification: Likely benign. Last evaluated: 2021-12-21. Review status: criteria provided, single submitter. Criteria: ACMG Guidelines, 2015. Collection method: clinical testing. Allele origin: germline.

Illumina Laboratory Services, Illumina
Classification: Uncertain significance for Early-onset myopathy with fatal cardiomyopathy. Last evaluated: 2018-01-12. Review status: criteria provided, single submitter. Criteria: ICSL Variant Classification Criteria 13 December 2019. Collection method: clinical testing. Allele origin: germline.

Illumina Laboratory Services, Illumina
Classification: Uncertain significance for Myopathy, myofibrillar, 9, with early respiratory failure. Last evaluated: 2018-01-12. Review status: criteria provided, single submitter. Criteria: ICSL Variant Classification Criteria 13 December 2019. Collection method: clinical testing. Allele origin: germline.

Illumina Laboratory Services, Illumina
Classification: Uncertain significance for Tibial muscular dystrophy. Last evaluated: 2018-01-12. Review status: criteria provided, single submitter. Criteria: ICSL Variant Classification Criteria 13 December 2019. Collection method: clinical testing. Allele origin: germline.

Illumina Laboratory Services, Illumina
Classification: Uncertain significance for Autosomal recessive limb-girdle muscular dystrophy type 2J. Last evaluated: 2018-01-12. Review status: criteria provided, single submitter. Criteria: ICSL Variant Classification Criteria 13 December 2019. Collection method: clinical testing. Allele origin: germline.

Illumina Laboratory Services, Illumina
Classification: Uncertain significance for Dilated cardiomyopathy 1G. Last evaluated: 2018-01-12. Review status: criteria provided, single submitter. Criteria: ICSL Variant Classification Criteria 13 December 2019. Collection method: clinical testing. Allele origin: germline.

Laboratory for Molecular Medicine, Mass General Brigham Personalized Medicine
Classification: Uncertain significance. Last evaluated: 2014-12-17. Review status: criteria provided, single submitter. Criteria: LMM Criteria. Collection method: clinical testing. Allele origin: germline. Observed: 2 variant alleles.
Comment: The p.Arg29872His variant in TTN has not been previously reported in individuals with cardiomyopathy, but has been identified in 1/67278 European chromosomes by the Exome Aggregation Consortium (ExAC). Comput ational prediction tools and conservation analysis do not provide strong support for or against an impact to the protein. In summary, the clinical significance of the p.Arg29872His variant is uncertain.

PreventionGenetics, part of Exact Sciences
Classification: Uncertain significance for TTN-related condition. Last evaluated: 2024-08-15. Review status: no assertion criteria provided. Collection method: clinical testing. Allele origin: germline. Not counted in ClinVar's aggregate classification.
Comment: The TTN c.97319G>A variant is predicted to result in the amino acid substitution p.Arg32440His. To our knowledge, this variant has not been reported in the literature. This variant is reported in 0.0016% of alleles in individuals of European (Non-Finnish) descent in gnomAD. At this time, the clinical significance of this variant is uncertain due to the absence of conclusive functional and genetic evidence.